The following is an entry in ClinVar:

ClinVar aggregate classification (germline): Likely pathogenic (0 of 4 stars; one submission).

Conditions:
Developmental cataract. Also called: Congenital cataracts; Bilateral cataracts; Congenital cataract. Identifiers: MedGen C0009691, HP:0000519.

Submission:

Dept. Genetics and Cancer, Menzies Institute for Medical Research, University of Tasmania
Classification: Likely pathogenic for Developmental cataract. Last evaluated: 2021-05-01. Review status: no assertion criteria provided. Criteria: ACMG Guidelines, 2015. Collection method: research. Allele origin: germline. Affected: yes.
Comment: PM2, PM4, PP1_supporting, PP3. Absent/near absent from population databases. Protein length altered due to loss of native stop codon. Supporting segregation evidence in the family with â‰¥3 meioses. Multiple predictive tools assessing variant as damaging/pathogenic.

NM_005029.4(PITX3):c.908G>T (p.Ter303Leu)

Genes: PITX3 (paired like homeodomain 3; minus strand), LOC130004590 (ATAC-STARR-seq lymphoblastoid silent region 2752; plus strand). Cytogenetic location: 10q24.32.
Variant type: single nucleotide variant.
Coding change: c.908G>T on transcript NM_005029.4 (MANE Select); coding-DNA position 908, G replaced by T.
Protein change: p.Ter303Leu.
Molecular consequence: stop lost.
Genome position (GRCh38, 1-based): chr10:102,230,515, C>A on the plus strand (G>T on the coding strand, the complement: PITX3 is on the minus strand). VCF-style: chr10-102230515-C-A. GRCh37 (hg19) VCF-style: chr10-103990272-C-A.
Identifiers: ClinVar variation 1065586 (VCV001065586.1), dbSNP rs2133794292, ClinGen allele CA378160597.
Genomic context (GRCh38, chr10:102,230,515, plus strand): 5'-TCCGCGGAGGCTGTGAATCGTTGCCCCCGCCCTCGGGGATGATCTACGGGCGGGGCCGCT[C>A]ATACGGGCCTTTCCACGGCGTACTGGCACGGACTAAGGTTGGCTGCCGGGGGCGGCCCGT-3'